The following is an entry in ClinVar:

ClinVar aggregate classification (germline): Uncertain significance (1 of 4 stars; one submission).

Conditions:
Emery-Dreifuss muscular dystrophy 5, autosomal dominant (EDMD5). Also called: EMERY-DREIFUSS MUSCULAR DYSTROPHY 5. Identifiers: Orphanet 261, MedGen C2751805, MONDO:0013072, OMIM 612999.

Allele frequency attached by ClinVar (database versions not stated): TOPMed below 0.00001; ExAC 0.00001; gnomAD exomes 0.00001.
gnomAD v4.1: 18 of 1,614,210 alleles (0.0011%); highest among the groups gnomAD compares: Non-Finnish European, 0.0014%; no homozygotes.

Submission:

Labcorp Genetics (formerly Invitae), Labcorp
Classification: Uncertain significance for Emery-Dreifuss muscular dystrophy 5, autosomal dominant. Last evaluated: 2022-03-08. Review status: criteria provided, single submitter. Criteria: Invitae Variant Classification Sherloc (09022015). Collection method: clinical testing. Allele origin: germline.
Comment: In summary, the available evidence is currently insufficient to determine the role of this variant in disease. Therefore, it has been classified as a Variant of Uncertain Significance. Algorithms developed to predict the effect of missense changes on protein structure and function output the following: SIFT: "Tolerated"; PolyPhen-2: "Benign"; Align-GVGD: "Class C0". The isoleucine amino acid residue is found in multiple mammalian species, which suggests that this missense change does not adversely affect protein function. This variant has not been reported in the literature in individuals affected with SYNE2-related conditions. This variant is present in population databases (rs756909587, gnomAD 0.007%). This sequence change replaces valine, which is neutral and non-polar, with isoleucine, which is neutral and non-polar, at codon 5563 of the SYNE2 protein (p.Val5563Ile).

NM_182914.3(SYNE2):c.16687G>A (p.Val5563Ile)

Gene: SYNE2 (spectrin repeat containing nuclear envelope protein 2; plus strand). Cytogenetic location: 14q23.2.
Variant type: single nucleotide variant.
Coding change: c.16687G>A on transcript NM_182914.3 (MANE Select); coding-DNA position 16687, G replaced by A.
Protein change: p.Val5563Ile; replaces valine 5563 with isoleucine.
Molecular consequence: missense variant.
Genome position (GRCh38, 1-based): chr14:64,167,314, G>A. VCF-style: chr14-64167314-G-A. GRCh37 (hg19) VCF-style: chr14-64634032-G-A.
Other names: c.16687G>A, p.Val5563Ile (NM_015180.6); short protein forms V5563I.
Identifiers: ClinVar variation 1420743 (VCV001420743.8), dbSNP rs756909587, ClinGen allele CA7223456.